The following is an entry in ClinVar:

ClinVar aggregate classification (germline): Likely benign (1 of 4 stars; one submission).

Allele frequency attached by ClinVar (database versions not stated): gnomAD 0.00001 and 0.00003; gnomAD exomes below 0.00001; TOPMed 0.00001 and 0.00002.
gnomAD v4.1: 5 of 1,612,312 alleles (0.00031%); highest among the groups gnomAD compares: Non-Finnish European, 0.00042%; no homozygotes.

Submission:

GeneDx
Classification: Likely benign. Last evaluated: 2015-12-16. Review status: criteria provided, single submitter. Criteria: GeneDx Variant Classification (06012015). Collection method: clinical testing. Allele origin: germline. Affected: yes.
Comment: This variant is considered likely benign or benign based on one or more of the following criteria: it is a conservative change, it occurs at a poorly conserved position in the protein, it is predicted to be benign by multiple in silico algorithms, and/or has population frequency not consistent with disease.

NM_003978.5(PSTPIP1):c.564G>A (p.Glu188=)

Gene: PSTPIP1 (proline-serine-threonine phosphatase interacting protein 1; plus strand). Cytogenetic location: 15q24.3.
Variant type: single nucleotide variant.
Coding change: c.564G>A on transcript NM_003978.5 (MANE Select); coding-DNA position 564, G replaced by A.
Protein change: p.Glu188=; no amino-acid change (glutamic acid 188 retained).
Molecular consequence: synonymous variant.
Genome position (GRCh38, 1-based): chr15:77,030,503, G>A. VCF-style: chr15-77030503-G-A. GRCh37 (hg19) VCF-style: chr15-77322844-G-A.
Other names: c.564G>A (LRG_172t1); c.564G>A, p.Glu188= (NM_001321135.2); c.537G>A, p.Glu179= (NM_001321136.2); c.759G>A, p.Glu253= (NM_001321137.1).
Identifiers: ClinVar variation 245666 (VCV000245666.1), dbSNP rs879253893, ClinGen allele CA10584497.